The following is an entry in ClinVar:

ClinVar aggregate classification (germline): Benign/Likely benign. Review status: criteria provided, multiple submitters, no conflicts (2 of 4 stars). 4 submissions from 4 submitters: Benign (1); Likely benign (3). Last evaluated 2025-07-09.

Conditions:
Marfan syndrome (MFS). Also called: Marfan syndrome type 1; Marfan's syndrome; Marfan syndrome, classic; MARFAN SYNDROME, TYPE I; FBN1-Related Marfan Syndrome. Identifiers: Orphanet 284963, Orphanet 558, MedGen C0024796, MONDO:0007947, OMIM 154700.
Familial thoracic aortic aneurysm and aortic dissection (TAAD). Also called: Thoracic aortic aneurysms and dissections. Identifiers: Orphanet 91387, MedGen C4707243, MONDO:0019625.

Allele frequency attached by ClinVar (database versions not stated): gnomAD exomes below 0.00001 and 0.00003; gnomAD 0.00001; ExAC 0.00003.
gnomAD v4.1: 2 of 1,614,072 alleles (0.00012%); highest among the groups gnomAD compares: East Asian, 0.0045%; no homozygotes.

Submissions (4):

Ambry Genetics
Classification: Likely benign for Familial thoracic aortic aneurysm and aortic dissection. Last evaluated: 2025-07-09. Review status: criteria provided, single submitter. Criteria: Ambry Variant Classification Scheme 2023. Collection method: clinical testing. Allele origin: germline.

Labcorp Genetics (formerly Invitae), Labcorp
Classification: Benign for Marfan syndrome; Familial thoracic aortic aneurysm and aortic dissection. Last evaluated: 2024-12-12. Review status: criteria provided, single submitter. Criteria: Invitae Variant Classification Sherloc (09022015). Collection method: clinical testing. Allele origin: germline.

All of Us Research Program, National Institutes of Health
Classification: Likely benign for Marfan syndrome. Last evaluated: 2023-11-02. Review status: criteria provided, single submitter. Criteria: ACMG Guidelines, 2015. Collection method: clinical testing. Allele origin: germline. Inheritance: Autosomal dominant inheritance. Observed: 1 variant allele, 1 heterozygote.
Comment: This study involves interpretation of variants in research participants for the purpose of population health screening. Participant phenotype was not available at the time of variant classification. Additional details can be found in publication PMID: 35346344, PMCID: PMC8962531

Color Diagnostics, LLC DBA Color Health
Classification: Likely benign for Familial thoracic aortic aneurysm and aortic dissection. Last evaluated: 2021-02-12. Review status: criteria provided, single submitter. Criteria: ACMG Guidelines, 2015. Collection method: clinical testing. Allele origin: germline.

NM_000138.5(FBN1):c.1977C>T (p.Ser659=)

Gene: FBN1 (fibrillin 1; minus strand). Cytogenetic location: 15q21.1.
Variant type: single nucleotide variant.
Coding change: c.1977C>T on transcript NM_000138.5 (MANE Select); coding-DNA position 1977, C replaced by T.
Protein change: p.Ser659=; no amino-acid change (serine 659 retained).
Molecular consequence: synonymous variant.
Genome position (GRCh38, 1-based): chr15:48,503,923, G>A on the plus strand (C>T on the coding strand, the complement: FBN1 is on the minus strand). VCF-style: chr15-48503923-G-A. GRCh37 (hg19) VCF-style: chr15-48796120-G-A.
Identifiers: ClinVar variation 1171707 (VCV001171707.9), dbSNP rs750118053, ClinGen allele CA046540.